The following is an entry in ClinVar:

NM_000352.6(ABCC8):c.1643C>T (p.Thr548Met)

Gene: ABCC8 (ATP binding cassette subfamily C member 8; minus strand). Cytogenetic location: 11p15.1.
Variant type: single nucleotide variant.
Coding change: c.1643C>T on transcript NM_000352.6 (MANE Select); coding-DNA position 1643, C replaced by T.
Protein change: p.Thr548Met; replaces threonine 548 with methionine.
Molecular consequence: missense variant. On other transcripts: non-coding transcript variant (1).
Genome position (GRCh38, 1-based): chr11:17,432,232, G>A on the plus strand (C>T on the coding strand, the complement: ABCC8 is on the minus strand). VCF-style: chr11-17432232-G-A. GRCh37 (hg19) VCF-style: chr11-17453779-G-A.
Other names: c.1643C>T, p.Thr548Met (NM_001287174.3, NM_001351295.2); c.1640C>T, p.Thr547Met (NM_001351296.2, NM_001351297.2); short protein forms T548M, T547M.
Identifiers: ClinVar variation 878288 (VCV000878288.8), dbSNP rs763794263, ClinGen allele CA5903500.

ClinVar aggregate classification (germline): Conflicting classifications of pathogenicity. Review status: criteria provided, conflicting classifications (1 of 4 stars). 4 submissions from 2 submitters: Uncertain significance (2); Benign (1); Likely benign (1). Last evaluated 2023-12-14.

Conditions:
Diabetes mellitus, transient neonatal, 2 (TNDM2). Identifiers: Orphanet 99886, MedGen C1835887, MONDO:0012480, OMIM 610374. Disease mechanism: loss of function.
Hyperinsulinemic hypoglycemia, familial, 1 (HHF1). Also called: Persistent hyperinsulinemic hypoglycemia of infancy; Persistent Hyperinsulinemia Hypoglycemia of Infancy; HYPERINSULINISM, FAMILIAL, WITH PANCREATIC NESIDIOBLASTOSIS; HYPOGLYCEMIA, HYPERINSULINEMIC, OF INFANCY; NESIDIOBLASTOSIS OF PANCREAS. Identifiers: Orphanet 276575, Orphanet 276598, MedGen C2931832, MONDO:0009734, OMIM 256450.
Permanent neonatal diabetes mellitus (PNDM). Identifiers: Orphanet 99885, MedGen C1833104, MONDO:0100164, MONDO:0011643. Disease mechanism: gain of function.

Allele frequency attached by ClinVar (database versions not stated): gnomAD 0.00003 and 0.00004; gnomAD exomes 0.00003 and 0.00006; TOPMed 0.00003; ExAC 0.00009.
gnomAD v4.1: 48 of 1,552,522 alleles (0.0031%); highest among the groups gnomAD compares: East Asian, 0.0024%; no homozygotes.

Submissions (4):

Labcorp Genetics (formerly Invitae), Labcorp
Classification: Likely benign. Last evaluated: 2023-12-14. Review status: criteria provided, single submitter. Criteria: Invitae Variant Classification Sherloc (09022015). Collection method: clinical testing. Allele origin: germline.

Illumina Laboratory Services, Illumina
Classification: Uncertain significance for Permanent neonatal diabetes mellitus 1. Last evaluated: 2018-01-13. Review status: criteria provided, single submitter. Criteria: ICSL Variant Classification Criteria 13 December 2019. Collection method: clinical testing. Allele origin: germline.

Illumina Laboratory Services, Illumina
Classification: Uncertain significance for Hyperinsulinemic hypoglycemia, familial, 1. Last evaluated: 2018-01-13. Review status: criteria provided, single submitter. Criteria: ICSL Variant Classification Criteria 13 December 2019. Collection method: clinical testing. Allele origin: germline.

Illumina Laboratory Services, Illumina
Classification: Benign for Diabetes mellitus, transient neonatal, 2. Last evaluated: 2018-01-13. Review status: criteria provided, single submitter. Criteria: ICSL Variant Classification Criteria 13 December 2019. Collection method: clinical testing. Allele origin: germline.
Comment: This variant was observed in the ICSL laboratory as part of a predisposition screen in an ostensibly healthy population. It had not been previously curated by ICSL or reported in the Human Gene Mutation Database (HGMD: prior to June 1st, 2018), and was therefore a candidate for classification through an automated scoring system. Utilizing variant allele frequency, disease prevalence and penetrance estimates, and inheritance mode, an automated score was calculated to assess if this variant is too frequent to cause the disease. Based on the score and internal cut-off values, a variant classified as benign is not then subjected to further curation. The score for this variant resulted in a classification of benign for this disease.